The following is an entry in ClinVar:

ClinVar aggregate classification (germline): Uncertain significance (1 of 4 stars; one submission).

Conditions:
Long QT syndrome (LQTS). Identifiers: MedGen C0023976, MeSH D008133, MONDO:0002442. Disease mechanism: loss of function. Inheritance: Various modes of inheritance.

Submission:

Labcorp Genetics (formerly Invitae), Labcorp
Classification: Uncertain significance for Long QT syndrome. Last evaluated: 2025-03-20. Review status: criteria provided, single submitter. Criteria: Invitae Variant Classification Sherloc (09022015). Collection method: clinical testing. Allele origin: germline.
Comment: This sequence change replaces valine, which is neutral and non-polar, with glutamic acid, which is acidic and polar, at codon 307 of the KCNQ1 protein (p.Val307Glu). This variant is not present in population databases (gnomAD no frequency). This variant has not been reported in the literature in individuals affected with KCNQ1-related conditions. ClinVar contains an entry for this variant (Variation ID: 849152). Invitae Evidence Modeling of protein sequence and biophysical properties (such as structural, functional, and spatial information, amino acid conservation, physicochemical variation, residue mobility, and thermodynamic stability) has been performed for this missense variant. However, the output from this modeling did not meet the statistical confidence thresholds required to predict the impact of this variant on KCNQ1 protein function. In summary, the available evidence is currently insufficient to determine the role of this variant in disease. Therefore, it has been classified as a Variant of Uncertain Significance.

NM_000218.3(KCNQ1):c.920T>A (p.Val307Glu)

Gene: KCNQ1 (potassium voltage-gated channel subfamily Q member 1; plus strand). Cytogenetic location: 11p15.5.
Variant type: single nucleotide variant.
Coding change: c.920T>A on transcript NM_000218.3 (MANE Select); coding-DNA position 920, T replaced by A.
Protein change: p.Val307Glu; replaces valine 307 with glutamic acid.
Molecular consequence: missense variant.
Genome position (GRCh38, 1-based): chr11:2,572,985, T>A. VCF-style: chr11-2572985-T-A. GRCh37 (hg19) VCF-style: chr11-2594215-T-A.
Other names: c.920T>A, p.Val307Glu (NM_001406836.1); c.650T>A, p.Val217Glu (NM_001406837.1); c.539T>A, p.Val180Glu (NM_181798.2); short protein forms V180E, V307E, V217E.
Identifiers: ClinVar variation 849152 (VCV000849152.11), dbSNP rs1589958619, ClinGen allele CA379131796.